The following is an entry in ClinVar:

ClinVar aggregate classification (germline): Uncertain significance (1 of 4 stars; one submission).

Submissions (2):

ARUP Laboratories, Molecular Genetics and Genomics, ARUP Laboratories
Classification: Uncertain significance. Last evaluated: 2025-05-12. Review status: criteria provided, single submitter. Criteria: ARUP Molecular Germline Variant Investigation Process 2024. Collection method: clinical testing. Allele origin: germline.
Comment: The F8 c.6782G>A; p.Gly2261Glu variant, to our knowledge, is not reported in the medical literature or gene specific databases. This variant is also absent from the Genome Aggregation Database (v2.1.1), indicating it is not a common polymorphism. Computational analyses predict that this variant is deleterious (REVEL: 0.947). Due to limited information, the clinical significance of this variant is uncertain at this time.

Dr. Peter K. Rogan Lab, Western University
No classification provided (evidence only). Condition: Thyroid cancer, nonmedullary, 1. Review status: no classification provided. Collection method: in vitro. Allele origin: not applicable. Functional consequence: retained intron. Not counted in ClinVar's aggregate classification.

NM_000132.4(F8):c.6782G>A (p.Gly2261Glu)

Gene: F8 (coagulation factor VIII; minus strand). Cytogenetic location: Xq28.
Variant type: single nucleotide variant.
Coding change: c.6782G>A on transcript NM_000132.4 (MANE Select); coding-DNA position 6782, G replaced by A.
Protein change: p.Gly2261Glu; replaces glycine 2261 with glutamic acid.
Molecular consequence: missense variant.
Genome position (GRCh38, 1-based): chrX:154,860,550, C>T on the plus strand (G>A on the coding strand, the complement: F8 is on the minus strand). VCF-style: chrX-154860550-C-T. GRCh37 (hg19) VCF-style: chrX-154088825-C-T.
Other names: NC_000023.10:g.154088825C>T; c.377G>A, p.Gly126Glu (NM_019863.3); short protein forms G126E, G2261E.
Identifiers: ClinVar variation 4479935 (VCV004479935.2).
Genomic context (GRCh38, chrX:154,860,550, plus strand): 5'-ATGAGGAACTCCTTCACATACATGCTGGTAAGCAGAGATTTTACTCCCTGAGTAGTTACT[C>T]CTGTGACTTTCATTGTCTTCTGGAAGTCCACTTGCAGCCACTCTTTTGGATTATTCACCT-3'
Protein context (NP_000123.1, residues 2251-2271): VDFQKTMKVT[Gly2261Glu]VTTQGVKSLL